The following is an entry in ClinVar:

ClinVar aggregate classification (germline): Uncertain significance (1 of 4 stars; one submission).

Conditions:
Ullrich congenital muscular dystrophy 2 (UCMD2). Identifiers: Orphanet 75840, MedGen C4225314, MONDO:0014654, OMIM 616470.
Bethlem myopathy 2 (BTHLM2). Identifiers: Orphanet 536516, Orphanet 610, MedGen C4225313, MONDO:0034022, OMIM 616471.

Submission:

Labcorp Genetics (formerly Invitae), Labcorp
Classification: Uncertain significance for Bethlem myopathy 2; Ullrich congenital muscular dystrophy 2. Last evaluated: 2021-05-31. Review status: criteria provided, single submitter. Criteria: Invitae Variant Classification Sherloc (09022015). Collection method: clinical testing. Allele origin: germline.
Comment: This variant has not been reported in the literature in individuals with COL12A1-related conditions. In summary, the available evidence is currently insufficient to determine the role of this variant in disease. Therefore, it has been classified as a Variant of Uncertain Significance. Experimental studies and prediction algorithms are not available or were not evaluated, and the functional significance of this variant is currently unknown. This variant is present in population databases (rs745810321, ExAC 0.002%). This variant, c.6915_6917del, results in the deletion of 1 amino acid(s) of the COL12A1 protein (p.Pro2308del), but otherwise preserves the integrity of the reading frame.

NM_004370.6(COL12A1):c.6912TCC[1] (p.Pro2308del)

Gene: COL12A1 (collagen type XII alpha 1 chain; minus strand). Cytogenetic location: 6q13.
Variant type: Microsatellite.
Coding change: c.6912TCC[1] on transcript NM_004370.6 (MANE Select); one copy of the 3-base unit TCC starting at c.6912; the reference has two copies in a row; one copy, 3 bases deleted.
Protein change: p.Pro2308del; deletes proline 2308.
Molecular consequence: inframe deletion.
Genome position (GRCh38, 1-based): chr6:75,123,359-75,123,361, GGA deleted on the plus strand (TCC on the coding strand, the reverse complement: COL12A1 is on the minus strand); deleting any 3 consecutive bases within chr6:75,123,359-75,123,366 gives the same sequence; the position shown is the placement nearest the transcript's 3' end. VCF-style (leftmost placement, unchanged base first): chr6-75123358-GGGA-G. GRCh37 (hg19) VCF-style: chr6-75833074-GGGA-G.
Other names: c.3420TCC[1], p.Pro1144del (NM_080645.3); short protein forms P1144del, P2308del.
Identifiers: ClinVar variation 1427747 (VCV001427747.8), dbSNP rs745810321, ClinGen allele CA3892703.